The following is an entry in ClinVar:

NM_005422.4(TECTA):c.949G>C (p.Val317Leu)

Genes: TBCEL-TECTA (TBCEL-TECTA readthrough; plus strand), TECTA (tectorin alpha; plus strand). Cytogenetic location: 11q23.3.
Variant type: single nucleotide variant.
Coding change: c.949G>C on transcript NM_005422.4 (MANE Select); coding-DNA position 949, G replaced by C.
Protein change: p.Val317Leu; replaces valine 317 with leucine.
Molecular consequence: missense variant.
Genome position (GRCh38, 1-based): chr11:121,118,464, G>C. VCF-style: chr11-121118464-G-C. GRCh37 (hg19) VCF-style: chr11-120989173-G-C.
Other names: c.1906G>C, p.Val636Leu (NM_001378761.1); short protein forms V317L, V636L.
Identifiers: ClinVar variation 1810045 (VCV001810045.1), dbSNP rs2496906331, ClinGen allele CA383007967.

ClinVar aggregate classification (germline): Uncertain significance (1 of 4 stars; one submission).

Submission:

GeneDx
Classification: Uncertain significance. Last evaluated: 2022-06-29. Review status: criteria provided, single submitter. Criteria: GeneDx Variant Classification Process June 2021. Collection method: clinical testing. Allele origin: germline. Affected: yes.
Comment: Not observed at significant frequency in large population cohorts (gnomAD); In silico analysis supports that this missense variant does not alter protein structure/function; Has not been previously published as pathogenic or benign to our knowledge